The following is an entry in ClinVar:

ClinVar aggregate classification (germline): Benign (1 of 4 stars; one submission).

Allele frequency attached by ClinVar (database versions not stated): 1000 Genomes Project 30x 0.00375; 1000 Genomes Project 0.00399; ExAC 0.00545; TOPMed 0.00569; gnomAD 0.00588; ESP Exome Variant Server 0.00815; gnomAD exomes 0.00962.
gnomAD v4.1: 14,892 of 1,613,986 alleles (0.92%); highest among the groups gnomAD compares: Non-Finnish European, 1.2%; 85 homozygotes.

Submission:

CeGaT Center for Human Genetics Tuebingen
Classification: Benign. Last evaluated: 2026-09-01. Review status: criteria provided, single submitter. Criteria: CeGaT Center For Human Genetics Tuebingen Variant Classification Criteria Version 2. Collection method: clinical testing. Allele origin: germline. Affected: yes. Observed: 21 variant alleles.
Comment: MACF1: BP4, BS1, BS2

NM_001394062.1(MACF1):c.6686T>C (p.Met2229Thr)

Gene: MACF1 (microtubule actin crosslinking factor 1; plus strand). Cytogenetic location: 1p34.3.
Variant type: single nucleotide variant.
Coding change: c.6686T>C on transcript NM_001394062.1 (MANE Select); coding-DNA position 6686, T replaced by C.
Protein change: p.Met2229Thr; replaces methionine 2229 with threonine.
Molecular consequence: missense variant. On other transcripts: intron variant (1).
Genome position (GRCh38, 1-based): chr1:39,333,274, T>C. VCF-style: chr1-39333274-T-C. GRCh37 (hg19) VCF-style: chr1-39798946-T-C.
Other names: c.4629+5921T>C (NM_012090.5); short protein forms M2229T.
Identifiers: ClinVar variation 2570721 (VCV002570721.27), dbSNP rs41270805, ClinGen allele CA780676.